The following is an entry in ClinVar:

ClinVar aggregate classification (germline): Pathogenic (1 of 4 stars; one submission).

Conditions:
Xanthinuria type II. Also called: Xanthine dehydrogenase and aldehyde oxidase combined deficiency of; XDH and AOX dual deficiency. Identifiers: Orphanet 3467, Orphanet 93602, MedGen C1863688, MONDO:0011346, OMIM 603592.

gnomAD v4.1: 2 of 1,614,212 alleles (0.00012%); highest among the groups gnomAD compares: South Asian, 0.0011%; no homozygotes.

Submission:

Labcorp Genetics (formerly Invitae), Labcorp
Classification: Pathogenic for Xanthinuria type II. Last evaluated: 2025-09-27. Review status: criteria provided, single submitter. Criteria: Invitae Variant Classification Sherloc (09022015). Collection method: clinical testing. Allele origin: germline.
Comment: This sequence change creates a premature translational stop signal (p.Gln564*) in the MOCOS gene. It is expected to result in an absent or disrupted protein product. Loss-of-function variants in MOCOS are known to be pathogenic (PMID: 11302742, 17368066). This variant is present in population databases (rs536590783, gnomAD 0.006%). This variant has not been reported in the literature in individuals affected with MOCOS-related conditions. For these reasons, this variant has been classified as Pathogenic.

Literature cited by the submitters: PubMed 11302742; PubMed 17368066.

NM_017947.4(MOCOS):c.1690C>T (p.Gln564Ter)

Gene: MOCOS (molybdenum cofactor sulfurase; plus strand). Cytogenetic location: 18q12.2.
Variant type: single nucleotide variant.
Coding change: c.1690C>T on transcript NM_017947.4 (MANE Select); coding-DNA position 1690, C replaced by T.
Protein change: p.Gln564Ter; replaces glutamine 564 with a stop codon.
Molecular consequence: nonsense.
Genome position (GRCh38, 1-based): chr18:36,215,870, C>T. VCF-style: chr18-36215870-C-T. GRCh37 (hg19) VCF-style: chr18-33795833-C-T.
Other names: short protein forms Q564*.
Identifiers: ClinVar variation 4777751 (VCV004777751.1).